The following is an entry in ClinVar:

ClinVar aggregate classification (germline): Uncertain significance. Review status: criteria provided, single submitter (1 of 4 stars). 2 submissions from 2 submitters: Uncertain significance (1). 1 of the submissions does not count toward it. Last evaluated 2024-04-03.

Conditions:
Alkaptonuria (AKU). Also called: Alkaptonuric ochronosis; Homogentisic acidura; Alcaptonuria; HOMOGENTISIC ACID OXIDASE DEFICIENCY. Identifiers: Orphanet 56, MedGen C0002066, MONDO:0008753, OMIM 203500.

Allele frequency attached by ClinVar (database versions not stated): gnomAD 0.00001; gnomAD exomes 0.00001; TOPMed 0.00001.
gnomAD v4.1: 9 of 1,613,638 alleles (0.00056%); highest among the groups gnomAD compares: Non-Finnish European, 0.00076%; no homozygotes.

Submissions (2):

Women's Health and Genetics/Laboratory Corporation of America, LabCorp
Classification: Uncertain significance. Last evaluated: 2024-04-03. Review status: criteria provided, single submitter. Criteria: LabCorp Variant Classification Summary - May 2015. Collection method: clinical testing. Allele origin: germline.
Comment: Variant summary: HGD c.589A>G (p.Arg197Gly) results in a non-conservative amino acid change in the encoded protein sequence. Five of five in-silico tools predict a damaging effect of the variant on protein function. The variant was absent in 251208 control chromosomes (gnomAD). The available data on variant occurrences in the general population are insufficient to allow any conclusion about variant significance. c.589A>G has been reported in the literature in an individual affected with Alkaptonuria (Zatkova_2012). These data do not allow any conclusion about variant significance. To our knowledge, no experimental evidence demonstrating an impact on protein function has been reported. The following publication has been ascertained in the context of this evaluation (PMID: 23430897). ClinVar contains an entry for this variant (Variation ID: 2627683). Based on the evidence outlined above, the variant was classified as uncertain significance.

Department Of Human Genetics, Institute Of Clinical And Translational Research, Biomedical Research Center, Slovak Academy Of Sciences
Classification: Pathogenic for Alkaptonuria. Review status: no assertion criteria provided. Collection method: research. Allele origin: germline. Inheritance: Autosomal recessive inheritance. Affected: yes. Observed: 1 variant allele. Not counted in ClinVar's aggregate classification.
Comment: The variant was originally described in AKU patient in PMID:23430897. It has been submitted to the HGD gene mutation database (DB-ID: AKU_00056).

Literature cited by the submitters: PubMed 23430897 (cited by Women's Health and Genetics/Laboratory Corporation of America, LabCorp and Department Of Human Genetics, Institute Of Clinical And Translational Research, Biomedical Research Center, Slovak Academy Of Sciences).

NM_000187.4(HGD):c.589A>G (p.Arg197Gly)

Gene: HGD (homogentisate 1,2-dioxygenase; minus strand). Cytogenetic location: 3q13.33.
Variant type: single nucleotide variant.
Coding change: c.589A>G on transcript NM_000187.4 (MANE Select); coding-DNA position 589, A replaced by G.
Protein change: p.Arg197Gly; replaces arginine 197 with glycine.
Molecular consequence: missense variant.
Genome position (GRCh38, 1-based): chr3:120,646,327, T>C on the plus strand (A>G on the coding strand, the complement: HGD is on the minus strand). VCF-style: chr3-120646327-T-C. GRCh37 (hg19) VCF-style: chr3-120365174-T-C.
Other names: short protein forms R197G.
Identifiers: ClinVar variation 2627683 (VCV002627683.2), dbSNP rs1414279737, ClinGen allele CA354076681.